The following is an entry in ClinVar:

ClinVar aggregate classification (germline): Pathogenic (1 of 4 stars; one submission).

Conditions:
Amyloidosis, hereditary systemic 1 (AMYLD1). Also called: Familial amyloid polyneuropathy; Transthyretin Amyloidosis; Amyloid Cardiomyopathy, Transthyretin-related; Hereditary oculoleptomeningeal amyloid angiopathy; Familial Transthyretin Amyloidosis; AMYLOID CARDIOMYOPATHY. Identifiers: Orphanet 85447, Orphanet 85451, MedGen C2751492, MONDO:0971004, OMIM 105210.

Submission:

Labcorp Genetics (formerly Invitae), Labcorp
Classification: Pathogenic for Amyloidosis, hereditary systemic 1. Last evaluated: 2024-05-10. Review status: criteria provided, single submitter. Criteria: Invitae Variant Classification Sherloc (09022015). Collection method: clinical testing. Allele origin: germline.
Comment: This sequence change replaces leucine, which is neutral and non-polar, with arginine, which is basic and polar, at codon 75 of the TTR protein (p.Leu75Arg). This variant is not present in population databases (gnomAD no frequency). This missense change has been observed in individual(s) with transthyretin amyloidosis (PMID: 17503405, 21843040, 23713495, 27859927, 32741838). It has also been observed to segregate with disease in related individuals. This variant is also known as Leu55Arg. ClinVar contains an entry for this variant (Variation ID: 941337). Advanced modeling of protein sequence and biophysical properties (such as structural, functional, and spatial information, amino acid conservation, physicochemical variation, residue mobility, and thermodynamic stability) performed at Invitae indicates that this missense variant is expected to disrupt TTR protein function with a positive predictive value of 95%. This variant disrupts the p.Leu75 amino acid residue in TTR. Other variant(s) that disrupt this residue have been determined to be pathogenic (Invitae). This suggests that this residue is clinically significant, and that variants that disrupt this residue are likely to be disease-causing. For these reasons, this variant has been classified as Pathogenic.

Literature cited by the submitters: PubMed 17503405; PubMed 21843040; PubMed 23713495; PubMed 27859927; PubMed 32741838.

NM_000371.4(TTR):c.224T>G (p.Leu75Arg)

Gene: TTR (transthyretin; plus strand). Cytogenetic location: 18q12.1.
Variant type: single nucleotide variant.
Coding change: c.224T>G on transcript NM_000371.4 (MANE Select); coding-DNA position 224, T replaced by G.
Protein change: p.Leu75Arg; replaces leucine 75 with arginine.
Molecular consequence: missense variant.
Genome position (GRCh38, 1-based): chr18:31,595,143, T>G. VCF-style: chr18-31595143-T-G. GRCh37 (hg19) VCF-style: chr18-29175106-T-G.
Other names: short protein forms L75R.
Identifiers: ClinVar variation 941337 (VCV000941337.8), dbSNP rs121918079, ClinGen allele CA402156935.